The following is an entry in ClinVar:

NM_022132.5(MCCC2):c.1381T>G (p.Phe461Val)

Gene: MCCC2 (methylcrotonyl-CoA carboxylase subunit 2; plus strand). Cytogenetic location: 5q13.2.
Variant type: single nucleotide variant.
Coding change: c.1381T>G on transcript NM_022132.5 (MANE Select); coding-DNA position 1381, T replaced by G.
Protein change: p.Phe461Val; replaces phenylalanine 461 with valine.
Molecular consequence: missense variant.
Genome position (GRCh38, 1-based): chr5:71,650,076, T>G. VCF-style: chr5-71650076-T-G. GRCh37 (hg19) VCF-style: chr5-70945903-T-G.
Other names: c.1267T>G, p.Phe423Val (NM_001363147.1); short protein forms F423V, F461V.
Identifiers: ClinVar variation 1303496 (VCV001303496.7), dbSNP rs1747390697, ClinGen allele CA359998636.

ClinVar aggregate classification (germline): Uncertain significance. Review status: criteria provided, multiple submitters, no conflicts (2 of 4 stars). 3 submissions from 3 submitters: Uncertain significance (3). Last evaluated 2026-03-25.

Conditions:
3-methylcrotonyl-CoA carboxylase 2 deficiency. Also called: METHYLCROTONYLGLYCINURIA, TYPE II; 3 alpha methylcrotonyl-CoA carboxylase 2 deficiency; 3 alpha methylcrotonylglycinuria 2; MCC 2 deficiency; Methylcrotonylglycinuria type 2. Identifiers: Orphanet 6, MedGen C1859499, MONDO:0008862, OMIM 210210.

Allele frequency attached by ClinVar (database versions not stated): gnomAD 0.00001; gnomAD exomes 0.00001.
gnomAD v4.1: 4 of 1,613,708 alleles (0.00025%); highest among the groups gnomAD compares: Middle Eastern, 0.016%; no homozygotes.

Submissions (3):

Women's Health and Genetics/Laboratory Corporation of America, LabCorp
Classification: Uncertain significance. Last evaluated: 2026-03-25. Review status: criteria provided, single submitter. Criteria: LabCorp Variant Classification Summary - May 2015. Collection method: clinical testing. Allele origin: germline.
Comment: Variant summary: MCCC2 c.1381T>G (p.Phe461Val) results in a non-conservative amino acid change in the encoded protein sequence. Algorithms developed to predict the effect of missense changes on protein structure and function all suggest that this variant is likely to be disruptive. The variant was absent in 251366 control chromosomes. The available data on variant occurrences in the general population are insufficient to allow any conclusion about variant significance. c.1381T>G has been observed in at least one individual affected with Methylcrotonyl-CoA Carboxylase Deficiency (example: Fonseca_2016). This data does not allow any conclusion about variant significance. To our knowledge, no experimental evidence demonstrating an impact on protein function has been reported. The following publication has been ascertained in the context of this evaluation (PMID: 27601257). ClinVar contains an entry for this variant (Variation ID: 1303496). Based on the evidence outlined above, the variant was classified as uncertain significance.

Labcorp Genetics (formerly Invitae), Labcorp
Classification: Uncertain significance for 3-methylcrotonyl-CoA carboxylase 2 deficiency. Last evaluated: 2022-06-13. Review status: criteria provided, single submitter. Criteria: Invitae Variant Classification Sherloc (09022015). Collection method: clinical testing. Allele origin: germline.
Comment: This sequence change replaces phenylalanine, which is neutral and non-polar, with valine, which is neutral and non-polar, at codon 461 of the MCCC2 protein (p.Phe461Val). In summary, the available evidence is currently insufficient to determine the role of this variant in disease. Therefore, it has been classified as a Variant of Uncertain Significance. Advanced modeling of protein sequence and biophysical properties (such as structural, functional, and spatial information, amino acid conservation, physicochemical variation, residue mobility, and thermodynamic stability) performed at Invitae indicates that this missense variant is expected to disrupt MCCC2 protein function. ClinVar contains an entry for this variant (Variation ID: 1303496). This missense change has been observed in individual(s) with MCCC2-related conditions (PMID: 27601257). This variant is not present in population databases (gnomAD no frequency).

GeneDx
Classification: Uncertain significance. Last evaluated: 2020-12-31. Review status: criteria provided, single submitter. Criteria: GeneDx Variant Classification Process June 2021. Collection method: clinical testing. Allele origin: germline. Affected: yes.
Comment: Identified in the presence of a second variant in an asymptomatic newborn from a cohort of individuals with positive newborn screen for 3-MCC deficiency (Fonseca et al., 2016); Not observed in large population cohorts (Lek et al., 2016); In silico analysis supports that this missense variant has a deleterious effect on protein structure/function; This variant is associated with the following publications: (PMID: 27601257)

Literature cited by the submitters: PubMed 27601257 (cited by Women's Health and Genetics/Laboratory Corporation of America, LabCorp and Labcorp Genetics (formerly Invitae), Labcorp).